The following is an entry in ClinVar:

ClinVar aggregate classification (germline): Uncertain significance (1 of 4 stars; one submission).

Conditions:
Inborn genetic diseases. Identifiers: MedGen C0950123, MeSH D030342.

Submission:

Ambry Genetics
Classification: Uncertain significance for Inborn genetic diseases. Last evaluated: 2026-07-10. Review status: criteria provided, single submitter. Criteria: Ambry Variant Classification Scheme 2023. Collection method: clinical testing. Allele origin: germline.
Comment: The p.K345T variant (also known as c.1034A>C), located in coding exon 9 of the CEP57 gene, results from an A to C substitution at nucleotide position 1034. The lysine at codon 345 is replaced by threonine, an amino acid with similar properties. This amino acid position is conserved. In addition, this alteration is predicted to be tolerated by in silico analysis. Based on the available evidence, the clinical significance of this variant remains unclear.

NM_014679.5(CEP57):c.1034A>C (p.Lys345Thr)

Gene: CEP57 (centrosomal protein 57; plus strand). Cytogenetic location: 11q21.
Variant type: single nucleotide variant.
Coding change: c.1034A>C on transcript NM_014679.5 (MANE Select); coding-DNA position 1034, A replaced by C.
Protein change: p.Lys345Thr; replaces lysine 345 with threonine.
Molecular consequence: missense variant.
Genome position (GRCh38, 1-based): chr11:95,827,934, A>C. VCF-style: chr11-95827934-A-C. GRCh37 (hg19) VCF-style: chr11-95561098-A-C.
Other names: c.1007A>C, p.Lys336Thr (NM_001243776.2); c.956A>C, p.Lys319Thr (NM_001243777.2); c.953A>C, p.Lys318Thr (NM_001363604.2, NM_001440869.1, NM_001440870.1); c.773A>C, p.Lys258Thr (NM_001440880.1); c.737A>C, p.Lys246Thr (NM_001440881.1); c.731A>C, p.Lys244Thr (NM_001440882.1); c.926A>C, p.Lys309Thr (NM_001440871.1); c.917A>C, p.Lys306Thr (NM_001440872.1); and 6 more; short protein forms K246T, K280T, K309T, K336T, K345T, K279T, K318T, K270T.
Identifiers: ClinVar variation 5034370 (VCV005034370.1).